The following is an entry in ClinVar:

ClinVar aggregate classification (germline): Uncertain significance. Review status: criteria provided, multiple submitters, no conflicts (2 of 4 stars). 2 submissions from 2 submitters: Uncertain significance (2). Last evaluated 2024-12-03.

Allele frequency attached by ClinVar (database versions not stated): TOPMed below 0.00001; gnomAD 0.00001; gnomAD exomes 0.00001 and 0.00002; ExAC 0.00002.
gnomAD v4.1: 22 of 1,613,380 alleles (0.0014%); highest among the groups gnomAD compares: Admixed American, 0.018%; no homozygotes.

Submissions (2):

Labcorp Genetics (formerly Invitae), Labcorp
Classification: Uncertain significance. Last evaluated: 2024-12-03. Review status: criteria provided, single submitter. Criteria: Invitae Variant Classification Sherloc (09022015). Collection method: clinical testing. Allele origin: germline.
Comment: This sequence change replaces glycine, which is neutral and non-polar, with serine, which is neutral and polar, at codon 1596 of the TOP2B protein (p.Gly1596Ser). This variant is present in population databases (rs752568171, gnomAD 0.01%). This variant has not been reported in the literature in individuals affected with TOP2B-related conditions. ClinVar contains an entry for this variant (Variation ID: 1379926). An algorithm developed to predict the effect of missense changes on protein structure and function (PolyPhen-2) suggests that this variant is likely to be disruptive. In summary, the available evidence is currently insufficient to determine the role of this variant in disease. Therefore, it has been classified as a Variant of Uncertain Significance.

Ambry Genetics
Classification: Uncertain significance. Last evaluated: 2023-08-15. Review status: criteria provided, single submitter. Criteria: Ambry Variant Classification Scheme 2023. Collection method: clinical testing. Allele origin: germline.

NM_001330700.2(TOP2B):c.4801G>A (p.Gly1601Ser)

Gene: TOP2B (DNA topoisomerase II beta; minus strand). Cytogenetic location: 3p24.2.
Variant type: single nucleotide variant.
Coding change: c.4801G>A on transcript NM_001330700.2 (MANE Select); coding-DNA position 4801, G replaced by A.
Protein change: p.Gly1601Ser; replaces glycine 1601 with serine.
Molecular consequence: missense variant.
Genome position (GRCh38, 1-based): chr3:25,598,387, C>T on the plus strand (G>A on the coding strand, the complement: TOP2B is on the minus strand). VCF-style: chr3-25598387-C-T. GRCh37 (hg19) VCF-style: chr3-25639878-C-T.
Other names: c.4786G>A, p.Gly1596Ser (NM_001068.3); c.4786G>A (NM_001068.2); short protein forms G1601S, G1596S.
Identifiers: ClinVar variation 1379926 (VCV001379926.9), dbSNP rs752568171, ClinGen allele CA2287964.